The following is an entry in ClinVar:

ClinVar aggregate classification (germline): Uncertain significance. Review status: criteria provided, multiple submitters, no conflicts (2 of 4 stars). 3 submissions from 3 submitters: Uncertain significance (3). Last evaluated 2024-06-17.

Conditions:
Joubert syndrome 17 (JBTS17). Identifiers: Orphanet 475, MedGen C3553264, MONDO:0013824, OMIM 614615.
Orofaciodigital syndrome type 6 (OFD6). Also called: OROFACIODIGITAL SYNDROME VI; OFDS VI; POLYDACTYLY, CLEFT LIP/PALATE OR LINGUAL LUMP, AND PSYCHOMOTOR RETARDATION; VARADI SYNDROME; VARADI-PAPP SYNDROME; Oral-facial-digital syndrome type 6. Identifiers: Orphanet 2754, MedGen C2745997, MONDO:0010176, OMIM 277170.

Allele frequency attached by ClinVar (database versions not stated): TOPMed below 0.00001; gnomAD 0.00001; gnomAD exomes 0.00001.
gnomAD v4.1: 5 of 1,551,362 alleles (0.00032%); highest among the groups gnomAD compares: Non-Finnish European, 0.00035%; no homozygotes.

Submissions (3):

Blueprint Genetics
Classification: Uncertain significance. Last evaluated: 2024-06-17. Review status: criteria provided, single submitter. Criteria: ACMG Guidelines, 2015. Collection method: clinical testing. Allele origin: germline.

Fulgent Genetics
Classification: Uncertain significance for Orofaciodigital syndrome type 6; Joubert syndrome 17. Last evaluated: 2022-01-03. Review status: criteria provided, single submitter. Criteria: ACMG Guidelines, 2015. Collection method: clinical testing. Allele origin: unknown.

Labcorp Genetics (formerly Invitae), Labcorp
Classification: Uncertain significance. Last evaluated: 2021-09-02. Review status: criteria provided, single submitter. Criteria: Invitae Variant Classification Sherloc (09022015). Collection method: clinical testing. Allele origin: germline.
Comment: This sequence change replaces tyrosine with cysteine at codon 653 of the CPLANE1 protein (p.Tyr653Cys). The tyrosine residue is weakly conserved and there is a large physicochemical difference between tyrosine and cysteine. This variant is not present in population databases (ExAC no frequency). This variant has not been reported in the literature in individuals affected with CPLANE1-related conditions. Advanced modeling of protein sequence and biophysical properties (such as structural, functional, and spatial information, amino acid conservation, physicochemical variation, residue mobility, and thermodynamic stability) performed at Invitae indicates that this missense variant is expected to disrupt CPLANE1 protein function. In summary, the available evidence is currently insufficient to determine the role of this variant in disease. Therefore, it has been classified as a Variant of Uncertain Significance.

NM_001384732.1(CPLANE1):c.1958A>G (p.Tyr653Cys)

Gene: CPLANE1 (ciliogenesis and planar polarity effector complex subunit 1; minus strand). Cytogenetic location: 5p13.2.
Variant type: single nucleotide variant.
Coding change: c.1958A>G on transcript NM_001384732.1 (MANE Select); coding-DNA position 1958, A replaced by G.
Protein change: p.Tyr653Cys; replaces tyrosine 653 with cysteine.
Molecular consequence: missense variant.
Genome position (GRCh38, 1-based): chr5:37,226,637, T>C on the plus strand (A>G on the coding strand, the complement: CPLANE1 is on the minus strand). VCF-style: chr5-37226637-T-C. GRCh37 (hg19) VCF-style: chr5-37226739-T-C.
Other names: c.1958A>G, p.Tyr653Cys (NM_023073.4); short protein forms Y653C.
Identifiers: ClinVar variation 1419897 (VCV001419897.7), dbSNP rs1342297170, ClinGen allele CA359497767.